The following is an entry in ClinVar:

NM_000061.3(BTK):c.1632-2A>T

Gene: BTK (Bruton tyrosine kinase; minus strand). Cytogenetic location: Xq22.1.
Variant type: single nucleotide variant.
Coding change: c.1632-2A>T on transcript NM_000061.3 (MANE Select); the canonical splice acceptor site of the intron before coding-DNA position 1632, A replaced by T.
Molecular consequence: splice acceptor variant.
Genome position (GRCh38, 1-based): chrX:101,353,990, T>A on the plus strand (A>T on the coding strand, the complement: BTK is on the minus strand). VCF-style: chrX-101353990-T-A. GRCh37 (hg19) VCF-style: chrX-100608978-T-A.
Other names: c.1734-2A>T (NM_001287344.2); c.1104-2A>T (NM_001287345.2).
Identifiers: ClinVar variation 1683489 (VCV001683489.3), dbSNP rs886039555, ClinGen allele CA413921679.

ClinVar aggregate classification (germline): Pathogenic (0 of 4 stars; one submission).

Conditions:
X-linked agammaglobulinemia (XLA). Also called: Agammaglobulinemia, Bruton tyrosine kinase; Agammaglobulinemia, BTK; BTK-deficiency; IMMUNODEFICIENCY 1; Bruton's agammaglobulinemia; AGAMMAGLOBULINEMIA, X-LINKED, TYPE 1. Identifiers: Orphanet 229717, Orphanet 47, MedGen C0221026, MONDO:0010421, OMIM 300755.

Submission:

Institute of Medical Genetics and Genomics, Sir Ganga Ram Hospital
Classification: Pathogenic for X-linked agammaglobulinemia. Last evaluated: 2022-05-10. Review status: no assertion criteria provided. Collection method: clinical testing. Allele origin: germline. Inheritance: X-linked recessive inheritance. Affected: yes. Observed: 1 hemizygote.
Comment: The novel splice variant c.1632-2A>T has not been observed in gnomAD and 1000g. In-silico bioinformatic software predict this variant by mutation taster as Disease causing. Based on the phenotypic observation we classify this variant as pathogenic variant.